The following is an entry in ClinVar:

ClinVar aggregate classification (germline): Pathogenic (1 of 4 stars; one submission).

Conditions:
Mucolipidosis type II. Also called: ML II ALPHA/BETA; Mucolipidosis 2; ML 2; Inclusion cell disease; Leroy Disease; N-acetylglucosamine 1phosphotransferase deficiency. Identifiers: Orphanet 576, MedGen C2673377, MONDO:0009650, OMIM 252500.
Pseudo-Hurler polydystrophy. Also called: ML III; ML III ALPHA/BETA; Type III Mucolipidosis; ML IIIA; Mucolipidosis III Alpha/Beta; MUCOLIPIDOSIS IIIA. Identifiers: Orphanet 423461, Orphanet 577, MedGen C0033788, MONDO:0018931, OMIM 252600.

Submission:

Labcorp Genetics (formerly Invitae), Labcorp
Classification: Pathogenic for Pseudo-Hurler polydystrophy; Mucolipidosis type II. Last evaluated: 2023-10-27. Review status: criteria provided, single submitter. Criteria: Invitae Variant Classification Sherloc (09022015). Collection method: clinical testing. Allele origin: germline.
Comment: This sequence change creates a premature translational stop signal (p.Glu1029Asnfs*35) in the GNPTAB gene. It is expected to result in an absent or disrupted protein product. Loss-of-function variants in GNPTAB are known to be pathogenic (PMID: 19617216, 25107912). This variant is present in population databases (rs749584277, gnomAD 0.004%). This variant has not been reported in the literature in individuals affected with GNPTAB-related conditions. For these reasons, this variant has been classified as Pathogenic.

Literature cited by the submitters: PubMed 19617216; PubMed 25107912.

NM_024312.5(GNPTAB):c.3085_3086del (p.Glu1029fs)

Gene: GNPTAB (N-acetylglucosamine-1-phosphate transferase subunits alpha and beta; minus strand). Cytogenetic location: 12q23.2.
Variant type: Microsatellite.
Coding change: c.3085_3086del on transcript NM_024312.5 (MANE Select); coding-DNA positions 3085 to 3086, 2 bases deleted (GA; older notation c.3085_3086delGA).
Protein change: p.Glu1029fs; shifts the reading frame from glutamic acid 1029.
Molecular consequence: frameshift variant.
Genome position (GRCh38, 1-based): chr12:101,761,176-101,761,177, TC deleted on the plus strand (GA on the coding strand, the reverse complement: GNPTAB is on the minus strand); deleting any 2 consecutive bases within chr12:101,761,176-101,761,180 gives the same sequence; the c. name uses the placement nearest the transcript's 3' end. VCF-style (leftmost placement, unchanged base first): chr12-101761175-TTC-T. GRCh37 (hg19) VCF-style: chr12-102154953-TTC-T.
Other names: short protein forms E1029fs.
Identifiers: ClinVar variation 2953306 (VCV002953306.3), dbSNP rs749584277, ClinGen allele CA6746274.